The following is an entry in ClinVar:

NM_004006.3(DMD):c.9173A>G (p.Gln3058Arg)

Gene: DMD (dystrophin; minus strand). Cytogenetic location: Xp21.2.
Variant type: single nucleotide variant.
Coding change: c.9173A>G on transcript NM_004006.3 (MANE Select); coding-DNA position 9173, A replaced by G.
Protein change: p.Gln3058Arg; replaces glutamine 3058 with arginine.
Molecular consequence: missense variant.
Genome position (GRCh38, 1-based): chrX:31,323,649, T>C on the plus strand (A>G on the coding strand, the complement: DMD is on the minus strand). VCF-style: chrX-31323649-T-C. GRCh37 (hg19) VCF-style: chrX-31341766-T-C.
Other names: c.9149A>G, p.Gln3050Arg (NM_000109.4); c.9161A>G, p.Gln3054Arg (NM_004009.3); c.8804A>G, p.Gln2935Arg (NM_004010.3); c.5150A>G, p.Gln1717Arg (NM_004011.4); c.5141A>G, p.Gln1714Arg (NM_004012.4); c.1793A>G, p.Gln598Arg (NM_004013.3, NM_004020.4, NM_004021.3 and 2 more transcripts); c.986A>G, p.Gln329Arg (NM_004014.3); short protein forms Q1714R, Q3054R, Q2935R, Q1717R, Q329R, Q3050R, Q3058R, Q598R.
Identifiers: ClinVar variation 2916433 (VCV002916433.3), dbSNP rs749397250, ClinGen allele CA10377893.

ClinVar aggregate classification (germline): Uncertain significance (1 of 4 stars; one submission).

Conditions:
Duchenne muscular dystrophy (DMD). Also called: MUSCULAR DYSTROPHY, PSEUDOHYPERTROPHIC PROGRESSIVE, DUCHENNE TYPE; Duchenne Muscular Dystrophy (DMD). Identifiers: Orphanet 98896, MedGen C0013264, MONDO:0010679, OMIM 310200.

Allele frequency attached by ClinVar (database versions not stated): gnomAD exomes below 0.00001.
gnomAD v4.1: 1 of 1,209,812 alleles (0.000083%); highest among the groups gnomAD compares: Non-Finnish European, 0.00011%; no homozygotes.

Submission:

Labcorp Genetics (formerly Invitae), Labcorp
Classification: Uncertain significance for Duchenne muscular dystrophy. Last evaluated: 2024-10-25. Review status: criteria provided, single submitter. Criteria: Invitae Variant Classification Sherloc (09022015). Collection method: clinical testing. Allele origin: germline.
Comment: This sequence change replaces glutamine, which is neutral and polar, with arginine, which is basic and polar, at codon 3058 of the DMD protein (p.Gln3058Arg). The frequency data for this variant in the population databases is considered unreliable, as metrics indicate poor data quality at this position in the gnomAD database. This variant has not been reported in the literature in individuals affected with DMD-related conditions. Invitae Evidence Modeling of protein sequence and biophysical properties (such as structural, functional, and spatial information, amino acid conservation, physicochemical variation, residue mobility, and thermodynamic stability) indicates that this missense variant is not expected to disrupt DMD protein function with a negative predictive value of 95%. In summary, the available evidence is currently insufficient to determine the role of this variant in disease. Therefore, it has been classified as a Variant of Uncertain Significance.